The following is an entry in ClinVar:

NM_004482.4(GALNT3):c.1524+3G>A

Gene: GALNT3 (polypeptide N-acetylgalactosaminyltransferase 3; minus strand). Cytogenetic location: 2q24.3.
Variant type: single nucleotide variant.
Coding change: c.1524+3G>A on transcript NM_004482.4 (MANE Select); 3 bases into the intron after coding-DNA position 1524, G replaced by A.
Molecular consequence: intron variant.
Genome position (GRCh38, 1-based): chr2:165,754,929, C>T on the plus strand (G>A on the coding strand, the complement: GALNT3 is on the minus strand). VCF-style: chr2-165754929-C-T. GRCh37 (hg19) VCF-style: chr2-166611439-C-T.
Identifiers: ClinVar variation 967454 (VCV000967454.8), dbSNP rs1204200153, ClinGen allele CA537126174.

ClinVar aggregate classification (germline): Uncertain significance. Review status: criteria provided, multiple submitters, no conflicts (2 of 4 stars). 2 submissions from 2 submitters: Uncertain significance (2). Last evaluated 2025-03-17.

Conditions:
Tumoral calcinosis, hyperphosphatemic, familial, 1. Also called: CALCINOSIS, TUMORAL, WITH HYPERPHOSPHATEMIA; LIPOCALCINOGRANULOMATOSIS; MORBUS TEUTSCHLAENDER; TEUTSCHLAENDER DISEASE, FAMILIAL; TUMORAL CALCINOSIS, PRIMARY HYPERPHOSPHATEMIC; HYPEROSTOSIS WITH HYPERPHOSPHATEMIA. Identifiers: Orphanet 53715, MedGen C4692564, MONDO:0100252, OMIM 211900.

Allele frequency attached by ClinVar (database versions not stated): gnomAD 0.00001; TOPMed 0.00001.

Submissions (2):

Labcorp Genetics (formerly Invitae), Labcorp
Classification: Uncertain significance. Last evaluated: 2025-03-17. Review status: criteria provided, single submitter. Criteria: Invitae Variant Classification Sherloc (09022015). Collection method: clinical testing. Allele origin: germline.
Comment: This sequence change falls in intron 8 of the GALNT3 gene. It does not directly change the encoded amino acid sequence of the GALNT3 protein. It affects a nucleotide within the consensus splice site. This variant is present in population databases (no rsID available, gnomAD 0.007%). This variant has not been reported in the literature in individuals affected with GALNT3-related conditions. ClinVar contains an entry for this variant (Variation ID: 967454). Variants that disrupt the consensus splice site are a relatively common cause of aberrant splicing (PMID: 17576681, 9536098). Algorithms developed to predict the effect of sequence changes on RNA splicing suggest that this variant is not likely to affect RNA splicing. In summary, the available evidence is currently insufficient to determine the role of this variant in disease. Therefore, it has been classified as a Variant of Uncertain Significance.

Fulgent Genetics
Classification: Uncertain significance for Tumoral calcinosis, hyperphosphatemic, familial, 1. Last evaluated: 2024-02-19. Review status: criteria provided, single submitter. Criteria: ACMG Guidelines, 2015. Collection method: clinical testing. Allele origin: germline.

Literature cited by the submitters: PubMed 17576681 (cited by Labcorp Genetics (formerly Invitae), Labcorp); PubMed 9536098 (cited by Labcorp Genetics (formerly Invitae), Labcorp).